The following is an entry in ClinVar:

ClinVar aggregate classification (germline): Pathogenic (1 of 4 stars; one submission).

Submission:

Labcorp Genetics (formerly Invitae), Labcorp
Classification: Pathogenic. Last evaluated: 2025-01-06. Review status: criteria provided, single submitter. Criteria: Invitae Variant Classification Sherloc (09022015). Collection method: clinical testing. Allele origin: germline.
Comment: This sequence change creates a premature translational stop signal (p.Ser566Trpfs*5) in the P3H2 gene. It is expected to result in an absent or disrupted protein product. Loss-of-function variants in P3H2 are known to be pathogenic (PMID: 24172257, 25469533). This variant is present in population databases (rs781505573, gnomAD 0.003%). This variant has not been reported in the literature in individuals affected with P3H2-related conditions. ClinVar contains an entry for this variant (Variation ID: 1458271). For these reasons, this variant has been classified as Pathogenic.

Literature cited by the submitters: PubMed 24172257; PubMed 25469533.

NM_018192.4(P3H2):c.1697_1698del (p.Ser566fs)

Gene: P3H2 (prolyl 3-hydroxylase 2; minus strand). Cytogenetic location: 3q28.
Variant type: Deletion.
Coding change: c.1697_1698del on transcript NM_018192.4 (MANE Select); coding-DNA positions 1697 to 1698, 2 bases deleted (CT; older notation c.1697_1698delCT).
Protein change: p.Ser566fs; shifts the reading frame from serine 566.
Molecular consequence: frameshift variant.
Genome position (GRCh38, 1-based): chr3:189,972,875-189,972,876, AG deleted on the plus strand (CT on the coding strand, the reverse complement: P3H2 is on the minus strand); deleting any 2 consecutive bases within chr3:189,972,875-189,972,877 gives the same sequence; the c. name uses the placement nearest the transcript's 3' end. VCF-style (leftmost placement, unchanged base first): chr3-189972874-CAG-C. GRCh37 (hg19) VCF-style: chr3-189690663-CAG-C.
Other names: c.1154_1155del, p.Ser385fs (NM_001134418.2); short protein forms S566fs, S385fs.
Identifiers: ClinVar variation 1458271 (VCV001458271.6), dbSNP rs781505573, ClinGen allele CA2752819.